The following is an entry in ClinVar:

NM_000146.4(FTL):c.366G>A (p.Thr122=)

Gene: FTL (ferritin light chain; plus strand). Cytogenetic location: 19q13.33.
Variant type: single nucleotide variant.
Coding change: c.366G>A on transcript NM_000146.4 (MANE Select); coding-DNA position 366, G replaced by A.
Protein change: p.Thr122=; no amino-acid change (threonine 122 retained).
Molecular consequence: synonymous variant.
Genome position (GRCh38, 1-based): chr19:48,966,397, G>A. VCF-style: chr19-48966397-G-A. GRCh37 (hg19) VCF-style: chr19-49469654-G-A.
Identifiers: ClinVar variation 4681771 (VCV004681771.6).

ClinVar aggregate classification (germline): Likely benign. Review status: criteria provided, multiple submitters, no conflicts (2 of 4 stars). 2 submissions from 2 submitters: Likely benign (2). Last evaluated 2025-12-01.

Conditions:
Hereditary hyperferritinemia with congenital cataracts. Also called: Hereditary hyperferritinemia cataract syndrome; Bonneau-Beaumont syndrome; HYPERFERRITINEMIA WITH OR WITHOUT CATARACT. Identifiers: Orphanet 163, MedGen C1833213, MONDO:0010952, OMIM 600886.
Neuroferritinopathy (NBIA3). Also called: NEURODEGENERATION WITH BRAIN IRON ACCUMULATION 3; BASAL GANGLIA DISEASE, ADULT-ONSET. Identifiers: Orphanet 157846, MedGen C1853578, MONDO:0011638, OMIM 606159.

gnomAD v4.1: 18 of 1,613,842 alleles (0.0011%); highest among the groups gnomAD compares: South Asian, 0.0066%; no homozygotes.

Submissions (2):

CeGaT Center for Human Genetics Tuebingen
Classification: Likely benign. Last evaluated: 2025-12-01. Review status: criteria provided, single submitter. Criteria: CeGaT Center For Human Genetics Tuebingen Variant Classification Criteria Version 2. Collection method: clinical testing. Allele origin: germline. Affected: yes. Observed: 1 variant allele.
Comment: FTL: BP4, BP7

Labcorp Genetics (formerly Invitae), Labcorp
Classification: Likely benign for Neuroferritinopathy; Hereditary hyperferritinemia with congenital cataracts. Last evaluated: 2025-06-25. Review status: criteria provided, single submitter. Criteria: Invitae Variant Classification Sherloc (09022015). Collection method: clinical testing. Allele origin: germline.